The following is an entry in ClinVar:

ClinVar aggregate classification (germline): Pathogenic (0 of 4 stars; one submission).

Conditions:
Short-rib thoracic dysplasia 6 with or without polydactyly (SRTD6). Also called: POLYDACTYLY WITH NEONATAL CHONDRODYSTROPHY, TYPE II; Majewski Syndrome; SHORT RIB-POLYDACTYLY SYNDROME, TYPE IIA; SHORT-RIB THORACIC DYSPLASIA 6 WITH POLYDACTYLY; SHORT-RIB THORACIC DYSPLASIA 6 WITHOUT POLYDACTYLY. Identifiers: MedGen C0024507, MONDO:0009894, OMIM 263520.

Submission:

Medical Genetics Center, Maternal and Child Health Hospital of Hubei Province
Classification: Pathogenic for Short-rib thoracic dysplasia 6 with or without polydactyly. Last evaluated: 2026-05-14. Review status: no assertion criteria provided. Collection method: clinical testing. Allele origin: paternal. Affected: yes.
Comment: PVS1+ PM2_Supporting+PM3

NM_001199397.3(NEK1):c.1991_1992del (p.Lys664fs)

Gene: NEK1 (NIMA related kinase 1; minus strand). Cytogenetic location: 4q33.
Variant type: Deletion.
Coding change: c.1991_1992del on transcript NM_001199397.3 (MANE Select); coding-DNA positions 1991 to 1992, 2 bases deleted (AA; older notation c.1991_1992delAA).
Protein change: p.Lys664fs; shifts the reading frame from lysine 664.
Molecular consequence: frameshift variant. On other transcripts: non-coding transcript variant (1), intron variant (1).
Genome position (GRCh38, 1-based): chr4:169,507,052-169,507,053, TT deleted on the plus strand (AA on the coding strand, the reverse complement: NEK1 is on the minus strand); deleting any 2 consecutive bases within chr4:169,507,052-169,507,059 gives the same sequence; the c. name uses the placement nearest the transcript's 3' end. VCF-style (leftmost placement, unchanged base first): chr4-169507051-CTT-C. GRCh37 (hg19) VCF-style: chr4-170428202-CTT-C.
Other names: c.1859_1860del, p.Lys620fs (NM_001199398.3, NM_001440622.1); c.1700_1701del, p.Lys567fs (NM_001199399.3); c.1154_1155del, p.Lys385fs (NM_001440625.1); c.1907_1908del, p.Lys636fs (NM_012224.4, NM_001374419.1, NM_001440621.1); c.1701+662_1701+663del (NM_001374421.1); c.1775_1776del, p.Lys592fs (NM_001199400.3, NM_001440623.1); c.1991_1992del, p.Lys664fs (NM_001374418.1, NM_001440620.1); c.1856_1857del, p.Lys619fs (NM_001374420.1); and 1 more; short protein forms K385fs, K429fs, K567fs, K592fs, K619fs, K620fs, K636fs, K664fs.
Identifiers: ClinVar variation 4852530 (VCV004852530.1).
Genomic context (GRCh38, chr4:169,507,051, plus strand): 5'-AAAAATGTTAATACAACCAGGATTAAGAATATGAGCTAAATCTTACATGCTCTTCCCACA[CTT>C]TTTTTTCTCTCTCATAAGCCTCCTTTCTCTTTCGTTCTAGTTGTTCTTTTAGTACAGCAG-3'